The following is an entry in ClinVar:

NM_001029883.3(PCARE):c.654G>T (p.Met218Ile)

Gene: PCARE (photoreceptor cilium actin regulator; minus strand). Cytogenetic location: 2p23.2.
Variant type: single nucleotide variant.
Coding change: c.654G>T on transcript NM_001029883.3 (MANE Select); coding-DNA position 654, G replaced by T.
Protein change: p.Met218Ile; replaces methionine 218 with isoleucine.
Molecular consequence: missense variant.
Genome position (GRCh38, 1-based): chr2:29,073,608, C>A on the plus strand (G>T on the coding strand, the complement: PCARE is on the minus strand). VCF-style: chr2-29073608-C-A. GRCh37 (hg19) VCF-style: chr2-29296474-C-A.
Other names: short protein forms M218I.
Identifiers: ClinVar variation 4799263 (VCV004799263.1).

ClinVar aggregate classification (germline): Uncertain significance (1 of 4 stars; one submission).

Submission:

Labcorp Genetics (formerly Invitae), Labcorp
Classification: Uncertain significance. Last evaluated: 2025-08-20. Review status: criteria provided, single submitter. Criteria: Invitae Variant Classification Sherloc (09022015). Collection method: clinical testing. Allele origin: germline.
Comment: This sequence change replaces methionine, which is neutral and non-polar, with isoleucine, which is neutral and non-polar, at codon 218 of the PCARE protein (p.Met218Ile). This variant is not present in population databases (gnomAD no frequency). This variant has not been reported in the literature in individuals affected with PCARE-related conditions. An algorithm developed to predict the effect of missense changes on protein structure and function (PolyPhen-2) suggests that this variant is likely to be disruptive. In summary, the available evidence is currently insufficient to determine the role of this variant in disease. Therefore, it has been classified as a Variant of Uncertain Significance.